The following is an entry in ClinVar:

ClinVar aggregate classification (germline): Uncertain significance (1 of 4 stars; one submission).

Conditions:
Hereditary cancer-predisposing syndrome. Also called: Neoplastic Syndromes, Hereditary; Tumor predisposition; Hereditary Cancer Syndrome; Hereditary neoplastic syndrome. Identifiers: Orphanet 140162, MedGen C0027672, MeSH D009386, MONDO:0015356.

Submission:

Ambry Genetics
Classification: Uncertain significance for Hereditary cancer-predisposing syndrome. Last evaluated: 2024-09-10. Review status: criteria provided, single submitter. Criteria: Ambry Variant Classification Scheme 2023. Collection method: clinical testing. Allele origin: germline.
Comment: The p.Y649C variant (also known as c.1946A>G), located in coding exon 6 of the MET gene, results from an A to G substitution at nucleotide position 1946. The tyrosine at codon 649 is replaced by cysteine, an amino acid with highly dissimilar properties. This amino acid position is not well conserved in available vertebrate species. In addition, this alteration is predicted to be tolerated by in silico analysis. Since supporting evidence is limited at this time, the clinical significance of this alteration remains unclear.

NM_000245.4(MET):c.1946A>G (p.Tyr649Cys)

Gene: MET (MET proto-oncogene, receptor tyrosine kinase; plus strand). Cytogenetic location: 7q31.2.
Variant type: single nucleotide variant.
Coding change: c.1946A>G on transcript NM_000245.4 (MANE Select); coding-DNA position 1946, A replaced by G.
Protein change: p.Tyr649Cys; replaces tyrosine 649 with cysteine.
Molecular consequence: missense variant.
Genome position (GRCh38, 1-based): chr7:116,757,520, A>G. VCF-style: chr7-116757520-A-G. GRCh37 (hg19) VCF-style: chr7-116397574-A-G.
Other names: c.1946A>G, p.Tyr649Cys (NM_001127500.3, NM_001324401.3); c.656A>G, p.Tyr219Cys (NM_001324402.2); short protein forms Y219C, Y649C.
Identifiers: ClinVar variation 1783127 (VCV001783127.3), dbSNP rs45605635, ClinGen allele CA164893301.
Genomic context (GRCh38, chr7:116,757,520, plus strand): 5'-CCATGAATAAGCATTTCAATATGTCCATAATTATTTCAAATGGCCACGGGACAACACAAT[A>G]CAGTACATTCTCCTATGTGGTAAGGAAGATTCTATCCTATCATGTTTGATTTTTACTTAA-3'
Protein context (NP_000236.2, residues 639-659): IISNGHGTTQ[Tyr649Cys]STFSYVDPVI